The following is an entry in ClinVar:

NM_152594.3(SPRED1):c.1222G>T (p.Val408Leu)

Gene: SPRED1 (sprouty related EVH1 domain containing 1; plus strand). Cytogenetic location: 15q14.
Variant type: single nucleotide variant.
Coding change: c.1222G>T on transcript NM_152594.3 (MANE Select); coding-DNA position 1222, G replaced by T.
Protein change: p.Val408Leu; replaces valine 408 with leucine.
Molecular consequence: missense variant.
Genome position (GRCh38, 1-based): chr15:38,351,551, G>T. VCF-style: chr15-38351551-G-T. GRCh37 (hg19) VCF-style: chr15-38643752-G-T.
Other names: short protein forms V408L.
Identifiers: ClinVar variation 4865055 (VCV004865055.1).

ClinVar aggregate classification (germline): Uncertain significance (1 of 4 stars; one submission).

Conditions:
Cardiovascular phenotype. Identifiers: MedGen CN230736.

Submission:

Ambry Genetics
Classification: Uncertain significance for Cardiovascular phenotype. Last evaluated: 2026-06-12. Review status: criteria provided, single submitter. Criteria: Ambry Variant Classification Scheme 2023. Collection method: clinical testing. Allele origin: germline.
Comment: The p.V408L variant (also known as c.1222G>T), located in coding exon 7 of the SPRED1 gene, results from a G to T substitution at nucleotide position 1222. The valine at codon 408 is replaced by leucine, an amino acid with highly similar properties. This amino acid position is conserved. In addition, this alteration is predicted to be tolerated by in silico analysis. Based on the available evidence, the clinical significance of this variant remains unclear.